The following is an entry in ClinVar:

NM_000222.3(KIT):c.25G>C (p.Asp9His)

Gene: KIT (KIT proto-oncogene, receptor tyrosine kinase; plus strand). Cytogenetic location: 4q12.
Variant type: single nucleotide variant.
Coding change: c.25G>C on transcript NM_000222.3 (MANE Select); coding-DNA position 25, G replaced by C.
Protein change: p.Asp9His; replaces aspartic acid 9 with histidine.
Molecular consequence: missense variant.
Genome position (GRCh38, 1-based): chr4:54,658,039, G>C. VCF-style: chr4-54658039-G-C. GRCh37 (hg19) VCF-style: chr4-55524206-G-C.
Other names: c.25G>C, p.Asp9His (NM_001385288.1, NM_001385290.1, NM_001385292.1 and 4 more transcripts); short protein forms D9H.
Identifiers: ClinVar variation 4858940 (VCV004858940.1).

ClinVar aggregate classification (germline): Uncertain significance (1 of 4 stars; one submission).

Conditions:
Hereditary cancer-predisposing syndrome. Also called: Neoplastic Syndromes, Hereditary; Tumor predisposition; Hereditary Cancer Syndrome; Hereditary neoplastic syndrome. Identifiers: Orphanet 140162, MedGen C0027672, MeSH D009386, MONDO:0015356.

Submission:

Ambry Genetics
Classification: Uncertain significance for Hereditary cancer-predisposing syndrome. Last evaluated: 2026-05-14. Review status: criteria provided, single submitter. Criteria: Ambry Variant Classification Scheme 2023. Collection method: clinical testing. Allele origin: germline.
Comment: The p.D9H variant (also known as c.25G>C), located in coding exon 1 of the KIT gene, results from a G to C substitution at nucleotide position 25. The aspartic acid at codon 9 is replaced by histidine, an amino acid with similar properties. This amino acid position is conserved. In addition, this alteration is predicted to be tolerated by in silico analysis. Based on the available evidence, the clinical significance of this variant remains unclear.